The following is an entry in ClinVar:

ClinVar aggregate classification (germline): Pathogenic (1 of 4 stars; one submission).

Conditions:
Mitochondrial disease. Also called: Mitochondrial disorder; Mitochondrial disorders. Identifiers: Orphanet 68380, MedGen C0751651, MeSH D028361, MONDO:0044970.

Submission:

Victorian Clinical Genetics Services, Murdoch Childrens Research Institute
Classification: Pathogenic for Mitochondrial disease. Last evaluated: 2025-04-04. Review status: criteria provided, single submitter. Criteria: ACMG Guidelines, 2015. Collection method: clinical testing. Allele origin: germline. Affected: yes.
Comment: This variant is classified as Pathogenic. Evidence in support of pathogenic classification: This is a multigenic deletion spanning approximately 6.1kb, encompassing part of the MT- ATP6 gene, through to part of the MT-CYB gene.Additional information:- This deletion is heteroplasmic. This deletion has no previous evidence of pathogenicity. Inheritance information for this deletion is not currently available in this individual.

NC_012920.1:m.8944_15057del

Genes: MT-ATP6 (mitochondrially encoded ATP synthase 6; plus strand), MT-CO3 (mitochondrially encoded cytochrome c oxidase III; plus strand), MT-CYB (mitochondrially encoded cytochrome b; plus strand), MT-ND3 (mitochondrially encoded NADH dehydrogenase 3; plus strand), MT-ND4 (mitochondrially encoded NADH dehydrogenase 4; plus strand) and 9 more.
Variant type: Deletion.
Identifiers: ClinVar variation 4528935 (VCV004528935.1).